The following is an entry in ClinVar:

NM_000781.3(CYP11A1):c.1099A>T (p.Met367Leu)

Gene: CYP11A1 (cytochrome P450 family 11 subfamily A member 1; minus strand). Cytogenetic location: 15q24.1.
Variant type: single nucleotide variant.
Coding change: c.1099A>T on transcript NM_000781.3 (MANE Select); coding-DNA position 1099, A replaced by T.
Protein change: p.Met367Leu; replaces methionine 367 with leucine.
Molecular consequence: missense variant.
Genome position (GRCh38, 1-based): chr15:74,339,645, T>A on the plus strand (A>T on the coding strand, the complement: CYP11A1 is on the minus strand). VCF-style: chr15-74339645-T-A. GRCh37 (hg19) VCF-style: chr15-74631986-T-A.
Other names: c.625A>T, p.Met209Leu (NM_001099773.2); short protein forms M367L, M209L.
Identifiers: ClinVar variation 317125 (VCV000317125.8), dbSNP rs764270391, ClinGen allele CA7656371.

ClinVar aggregate classification (germline): Uncertain significance. Review status: criteria provided, multiple submitters, no conflicts (2 of 4 stars). 4 submissions from 4 submitters: Uncertain significance (4). Last evaluated 2025-11-26.

Conditions:
Congenital adrenal insufficiency with 46, XY sex reversal OR 46,XY disorder of sex development-adrenal insufficiency due to CYP11A1 deficiency. Also called: P450scc DEFICIENCY; Congenital adrenal insuffiency with 46, XY sex reversal OR 46,XY disorder of sex development-adrenal insufficiency due to CYP11A1 deficiency. Identifiers: Orphanet 168558, MedGen C3151055, MONDO:0013400, OMIM 613743.
Inborn genetic diseases. Identifiers: MedGen C0950123, MeSH D030342.

Allele frequency attached by ClinVar (database versions not stated): ExAC 0.00002; gnomAD exomes 0.00002 and 0.00003; TOPMed 0.00002; gnomAD 0.00003.
gnomAD v4.1: 52 of 1,614,102 alleles (0.0032%); highest among the groups gnomAD compares: Middle Eastern, 0.082%; no homozygotes.

Submissions (4):

Ambry Genetics
Classification: Uncertain significance for Inborn genetic diseases. Last evaluated: 2025-11-26. Review status: criteria provided, single submitter. Criteria: Ambry Variant Classification Scheme 2023. Collection method: clinical testing. Allele origin: germline.

Labcorp Genetics (formerly Invitae), Labcorp
Classification: Uncertain significance. Last evaluated: 2025-04-09. Review status: criteria provided, single submitter. Criteria: Invitae Variant Classification Sherloc (09022015). Collection method: clinical testing. Allele origin: germline.
Comment: This sequence change replaces methionine, which is neutral and non-polar, with leucine, which is neutral and non-polar, at codon 367 of the CYP11A1 protein (p.Met367Leu). This variant is present in population databases (rs764270391, gnomAD 0.004%). This variant has not been reported in the literature in individuals affected with CYP11A1-related conditions. ClinVar contains an entry for this variant (Variation ID: 317125). Invitae Evidence Modeling of protein sequence and biophysical properties (such as structural, functional, and spatial information, amino acid conservation, physicochemical variation, residue mobility, and thermodynamic stability) indicates that this missense variant is not expected to disrupt CYP11A1 protein function with a negative predictive value of 95%. In summary, the available evidence is currently insufficient to determine the role of this variant in disease. Therefore, it has been classified as a Variant of Uncertain Significance.

Fulgent Genetics
Classification: Uncertain significance for Congenital adrenal insufficiency with 46, XY sex reversal OR 46,XY disorder of sex development-adrenal insufficiency due to CYP11A1 deficiency. Last evaluated: 2021-11-30. Review status: criteria provided, single submitter. Criteria: ACMG Guidelines, 2015. Collection method: clinical testing. Allele origin: unknown.

Illumina Laboratory Services, Illumina
Classification: Uncertain significance for Congenital adrenal insufficiency with 46, XY sex reversal OR 46,XY disorder of sex development-adrenal insufficiency due to CYP11A1 deficiency. Last evaluated: 2018-01-13. Review status: criteria provided, single submitter. Criteria: ICSL Variant Classification Criteria 13 December 2019. Collection method: clinical testing. Allele origin: germline.